The following is an entry in ClinVar:

ClinVar aggregate classification (germline): Conflicting classifications of pathogenicity. Review status: criteria provided, conflicting classifications (1 of 4 stars). 3 submissions from 3 submitters: Uncertain significance (2); Likely benign (1). Last evaluated 2024-10-29.

Conditions:
Inborn genetic diseases. Identifiers: MedGen C0950123, MeSH D030342.

Allele frequency attached by ClinVar (database versions not stated): gnomAD exomes below 0.00001 and 0.00001; TOPMed 0.00001; ExAC 0.00002; ESP Exome Variant Server 0.00015.
gnomAD v4.1: 2 of 1,609,064 alleles (0.00012%); highest among the groups gnomAD compares: Non-Finnish European, 0.00017%; no homozygotes.

Submissions (3):

Labcorp Genetics (formerly Invitae), Labcorp
Classification: Uncertain significance. Last evaluated: 2024-10-29. Review status: criteria provided, single submitter. Criteria: Invitae Variant Classification Sherloc (09022015). Collection method: clinical testing. Allele origin: germline.
Comment: This sequence change replaces alanine, which is neutral and non-polar, with valine, which is neutral and non-polar, at codon 62 of the RLBP1 protein (p.Ala62Val). The frequency data for this variant in the population databases is considered unreliable, as metrics indicate poor data quality at this position in the gnomAD database. This variant has not been reported in the literature in individuals affected with RLBP1-related conditions. ClinVar contains an entry for this variant (Variation ID: 1379459). Invitae Evidence Modeling of protein sequence and biophysical properties (such as structural, functional, and spatial information, amino acid conservation, physicochemical variation, residue mobility, and thermodynamic stability) indicates that this missense variant is not expected to disrupt RLBP1 protein function with a negative predictive value of 95%. In summary, the available evidence is currently insufficient to determine the role of this variant in disease. Therefore, it has been classified as a Variant of Uncertain Significance.

Ambry Genetics
Classification: Likely benign for Inborn genetic diseases. Last evaluated: 2023-03-06. Review status: criteria provided, single submitter. Criteria: Ambry Variant Classification Scheme 2023. Collection method: clinical testing. Allele origin: germline.

Blueprint Genetics
Classification: Uncertain significance. Last evaluated: 2017-08-18. Review status: criteria provided, single submitter. Criteria: ACMG Guidelines, 2015. Collection method: clinical testing. Allele origin: germline.

NM_000326.5(RLBP1):c.185C>T (p.Ala62Val)

Gene: RLBP1 (retinaldehyde binding protein 1; minus strand). Cytogenetic location: 15q26.1.
Variant type: single nucleotide variant.
Coding change: c.185C>T on transcript NM_000326.5 (MANE Select); coding-DNA position 185, C replaced by T.
Protein change: p.Ala62Val; replaces alanine 62 with valine.
Molecular consequence: missense variant.
Genome position (GRCh38, 1-based): chr15:89,217,281, G>A on the plus strand (C>T on the coding strand, the complement: RLBP1 is on the minus strand). VCF-style: chr15-89217281-G-A. GRCh37 (hg19) VCF-style: chr15-89760512-G-A.
Other names: c.185C>T (NM_000326.4); short protein forms A62V.
Identifiers: ClinVar variation 1379459 (VCV001379459.7), dbSNP rs144641995, ClinGen allele CA7722364.